The following is an entry in ClinVar:

NM_177438.3(DICER1):c.1037del (p.Leu346fs)

Gene: DICER1 (dicer 1, ribonuclease III; minus strand). Cytogenetic location: 14q32.13.
Variant type: Deletion.
Coding change: c.1037del on transcript NM_177438.3 (MANE Select); coding-DNA position 1037, one base deleted (T; older notation c.1037delT).
Protein change: p.Leu346fs; shifts the reading frame from leucine 346.
Molecular consequence: frameshift variant. On other transcripts: non-coding transcript variant (6), 5 prime UTR variant (1).
Genome position (GRCh38, 1-based): chr14:95,124,535, A deleted on the plus strand (T on the coding strand, the reverse complement: DICER1 is on the minus strand); the first of 2 consecutive A bases (chr14:95,124,535-95,124,536); deleting either gives the same sequence. VCF-style (leftmost placement, unchanged base first): chr14-95124534-CA-C. GRCh37 (hg19) VCF-style: chr14-95590871-CA-C.
Other names: c.1037del, p.Leu346fs (NM_001395677.1, NM_001395678.1, NM_001395679.1 and 14 more transcripts); c.755del, p.Leu252fs (NM_001395686.1); c.632del, p.Leu211fs (NM_001395687.1, NM_001395688.1, NM_001395698.1 and 3 more transcripts); c.470del, p.Leu157fs (NM_001395691.1); c.-532del (NM_001395697.1); short protein forms L346fs, L157fs, L252fs, L211fs.
Identifiers: ClinVar variation 4713173 (VCV004713173.1).

ClinVar aggregate classification (germline): Pathogenic (1 of 4 stars; one submission).

Conditions:
DICER1-related tumor predisposition. Also called: DICER1 syndrome; DICER1-related pleuropulmonary blastoma cancer predisposition syndrome. Identifiers: Orphanet 284343, MedGen C3839822, MONDO:0100216.

Submission:

Labcorp Genetics (formerly Invitae), Labcorp
Classification: Pathogenic for DICER1-related tumor predisposition. Last evaluated: 2025-08-11. Review status: criteria provided, single submitter. Criteria: Invitae Variant Classification Sherloc (09022015). Collection method: clinical testing. Allele origin: germline.
Comment: This sequence change creates a premature translational stop signal (p.Leu346Cysfs*7) in the DICER1 gene. It is expected to result in an absent or disrupted protein product. Loss-of-function variants in DICER1 are known to be pathogenic (PMID: 19556464, 21266384). This variant is not present in population databases (gnomAD no frequency). This variant has not been reported in the literature in individuals affected with DICER1-related conditions. For these reasons, this variant has been classified as Pathogenic.

Literature cited by the submitters: PubMed 19556464; PubMed 21266384.